The following is an entry in ClinVar:

ClinVar aggregate classification (germline): Likely pathogenic. Review status: criteria provided, multiple submitters, no conflicts (2 of 4 stars). 2 submissions from 2 submitters: Likely pathogenic (2). Last evaluated 2026-06-05.

Conditions:
Hereditary cancer-predisposing syndrome. Also called: Neoplastic Syndromes, Hereditary; Hereditary Cancer Syndrome; Tumor predisposition; Hereditary neoplastic syndrome. Identifiers: Orphanet 140162, MedGen C0027672, MeSH D009386, MONDO:0015356.
Familial cancer of breast. Also called: Hereditary breast cancer; BREAST CANCER, FAMILIAL; hereditary breast carcinoma. Identifiers: Orphanet 227535, MedGen C0346153, MONDO:0016419, OMIM 114480. Disease mechanism: loss of function.

Submissions (2):

Ambry Genetics
Classification: Likely pathogenic for Hereditary cancer-predisposing syndrome. Last evaluated: 2026-06-05. Review status: criteria provided, single submitter. Criteria: Ambry Variant Classification Scheme 2023. Collection method: clinical testing. Allele origin: germline.
Comment: The c.8011-1G>C intronic variant results from a G to C substitution one nucleotide upstream from coding exon 54 of the ATM gene. This variant is considered to be rare based on population cohorts in the Genome Aggregation Database (gnomAD). This nucleotide position is highly conserved in available vertebrate species. In silico splice site analysis predicts that this alteration will weaken the native splice acceptor site and will result in the creation or strengthening of a novel splice acceptor site. In an assay testing ATM function, this variant showed a functionally abnormal result (Lee KS et al. Cell, 2025 Sep;188:5081-5099.e27). Alterations that disrupt the canonical splice site are expected to cause aberrant splicing, resulting in an abnormal protein or a transcript that is subject to nonsense-mediated mRNA decay. As such, this alteration is classified as likely pathogenic.

Myriad Genetics, Inc.
Classification: Likely pathogenic for Familial cancer of breast. Last evaluated: 2026-03-20. Review status: criteria provided, single submitter. Criteria: Myriad Autosomal Dominant, Autosomal Recessive and X-Linked Classification Criteria (2023). Collection method: clinical testing. Allele origin: unknown.
Comment: This variant is considered likely pathogenic. This variant occurs within a consensus splice junction and is predicted to result in abnormal mRNA splicing of either an out-of-frame exon or an in-frame exon necessary for protein stability and/or normal function.

Literature cited by the submitters: PubMed 40580951 (cited by Ambry Genetics).

NM_000051.4(ATM):c.8011-1G>C

Genes: C11orf65 (chromosome 11 open reading frame 65; minus strand), ATM (ATM serine/threonine kinase; plus strand). Cytogenetic location: 11q22.3.
Variant type: single nucleotide variant.
Coding change: c.8011-1G>C on transcript NM_000051.4 (MANE Select); the canonical splice acceptor site of the intron before coding-DNA position 8011, G replaced by C.
Molecular consequence: splice acceptor variant. On other transcripts: intron variant (2).
Genome position (GRCh38, 1-based): chr11:108,334,968, G>C. VCF-style: chr11-108334968-G-C. GRCh37 (hg19) VCF-style: chr11-108205695-G-C.
Other names: c.8011-1G>C (NM_001351834.2); c.641-25897C>G (NM_001330368.2); c.*38+252C>G (NM_001351110.2).
Identifiers: ClinVar variation 481329 (VCV000481329.9), dbSNP rs1555127017, ClinGen allele CA382561831.